The following is an entry in ClinVar:

NM_001211.6(BUB1B):c.2419A>G (p.Ile807Val)

Gene: BUB1B (BUB1 mitotic checkpoint serine/threonine kinase B; plus strand). Cytogenetic location: 15q15.1.
Variant type: single nucleotide variant.
Coding change: c.2419A>G on transcript NM_001211.6 (MANE Select); coding-DNA position 2419, A replaced by G.
Protein change: p.Ile807Val; replaces isoleucine 807 with valine.
Molecular consequence: missense variant.
Genome position (GRCh38, 1-based): chr15:40,212,532, A>G. VCF-style: chr15-40212532-A-G. GRCh37 (hg19) VCF-style: chr15-40504733-A-G.
Other names: short protein forms I807V.
Identifiers: ClinVar variation 2721193 (VCV002721193.3), dbSNP rs2542575332, ClinGen allele CA391695168.

ClinVar aggregate classification (germline): Uncertain significance (1 of 4 stars; one submission).

Conditions:
Mosaic variegated aneuploidy syndrome 1 (MVA1). Also called: Warburton-Anyane-Yeboa syndrome. Identifiers: Orphanet 1052, MedGen C1850343, MONDO:0009759, OMIM 257300.

Allele frequency attached by ClinVar (database versions not stated): gnomAD exomes below 0.00001.
gnomAD v4.1: 3 of 1,613,152 alleles (0.00019%); highest among the groups gnomAD compares: East Asian, 0.0022%; no homozygotes.

Submission:

Labcorp Genetics (formerly Invitae), Labcorp
Classification: Uncertain significance for Mosaic variegated aneuploidy syndrome 1. Last evaluated: 2023-02-13. Review status: criteria provided, single submitter. Criteria: Invitae Variant Classification Sherloc (09022015). Collection method: clinical testing. Allele origin: germline.
Comment: This variant is not present in population databases (gnomAD no frequency). This variant has not been reported in the literature in individuals affected with BUB1B-related conditions. Algorithms developed to predict the effect of missense changes on protein structure and function are either unavailable or do not agree on the potential impact of this missense change (SIFT: "Tolerated"; PolyPhen-2: "Possibly Damaging"; Align-GVGD: "Class C0"). In summary, the available evidence is currently insufficient to determine the role of this variant in disease. Therefore, it has been classified as a Variant of Uncertain Significance. This sequence change replaces isoleucine, which is neutral and non-polar, with valine, which is neutral and non-polar, at codon 807 of the BUB1B protein (p.Ile807Val).